The following is an entry in ClinVar:

ClinVar aggregate classification (germline): Likely benign (0 of 4 stars; one submission).

Conditions:
ANKFY1-related disorder. Also called: ANKFY1-related condition.

Allele frequency attached by ClinVar (database versions not stated): gnomAD exomes 0.00008; ExAC 0.00022; TOPMed 0.00040; gnomAD 0.00042; ESP Exome Variant Server 0.00049; 1000 Genomes Project 0.00060; 1000 Genomes Project 30x 0.00078.
gnomAD v4.1: 190 of 1,613,676 alleles (0.012%); highest among the groups gnomAD compares: African/African-American, 0.13%; no homozygotes.

Submission:

PreventionGenetics, part of Exact Sciences
Classification: Likely benign for ANKFY1-related condition. Last evaluated: 2020-03-31. Review status: no assertion criteria provided. Collection method: clinical testing. Allele origin: germline.
Comment: This variant is classified as likely benign based on ACMG/AMP sequence variant interpretation guidelines (Richards et al. 2015 PMID: 25741868, with internal and published modifications).

NM_001330063.2(ANKFY1):c.1172+4C>T

Gene: ANKFY1 (ankyrin repeat and FYVE domain containing 1; minus strand). Cytogenetic location: 17p13.2.
Variant type: single nucleotide variant.
Coding change: c.1172+4C>T on transcript NM_001330063.2 (MANE Select); 4 bases into the intron after coding-DNA position 1172, C replaced by T.
Molecular consequence: intron variant.
Genome position (GRCh38, 1-based): chr17:4,195,399, G>A on the plus strand (C>T on the coding strand, the complement: ANKFY1 is on the minus strand). VCF-style: chr17-4195399-G-A. GRCh37 (hg19) VCF-style: chr17-4098694-G-A.
Other names: c.1172+4C>T (NM_016376.5); c.1298+4C>T (NM_001257999.3).
Identifiers: ClinVar variation 3055152 (VCV003055152.2), dbSNP rs200274984, ClinGen allele CA8301539.